The following is an entry in ClinVar:

ClinVar aggregate classification (germline): Uncertain significance (0 of 4 stars; one submission).

Conditions:
VPS13B-related disorder. Also called: VPS13B-related condition.

gnomAD v4.1: 2 of 1,613,692 alleles (0.00012%); highest among the groups gnomAD compares: Non-Finnish European, 0.00017%; no homozygotes.

Submission:

PreventionGenetics, part of Exact Sciences
Classification: Uncertain significance for VPS13B-related condition. Last evaluated: 2023-10-21. Review status: no assertion criteria provided. Collection method: clinical testing. Allele origin: germline.
Comment: The VPS13B c.7433C>T variant is predicted to result in the amino acid substitution p.Ala2478Val. To our knowledge, this variant has not been reported in the literature or in a large population database, indicating this variant is rare. At this time, the clinical significance of this variant is uncertain due to the absence of conclusive functional and genetic evidence.

NM_152564.5(VPS13B):c.7433C>T (p.Ala2478Val)

Gene: VPS13B (vacuolar protein sorting 13 homolog B; plus strand). Cytogenetic location: 8q22.2.
Variant type: single nucleotide variant.
Coding change: c.7433C>T on transcript NM_152564.5 (MANE Select); coding-DNA position 7433, C replaced by T.
Protein change: p.Ala2478Val; replaces alanine 2478 with valine.
Molecular consequence: missense variant.
Genome position (GRCh38, 1-based): chr8:99,778,685, C>T. VCF-style: chr8-99778685-C-T. GRCh37 (hg19) VCF-style: chr8-100790913-C-T.
Other names: c.7508C>T, p.Ala2503Val (NM_017890.5); short protein forms A2478V, A2503V.
Identifiers: ClinVar variation 3349608 (VCV003349608.1).